The following is an entry in ClinVar:

NM_005654.6(NR2F1):c.162C>A (p.Thr54=)

Genes: NR2F1 (nuclear receptor subfamily 2 group F member 1; plus strand), NR2F1-AS1 (NR2F1 regulatory antisense RNA 1; minus strand). Cytogenetic location: 5q15.
Variant type: single nucleotide variant.
Coding change: c.162C>A on transcript NM_005654.6 (MANE Select); coding-DNA position 162, C replaced by A.
Protein change: p.Thr54=; no amino-acid change (threonine 54 retained).
Molecular consequence: synonymous variant.
Genome position (GRCh38, 1-based): chr5:93,585,185, C>A. VCF-style: chr5-93585185-C-A. GRCh37 (hg19) VCF-style: chr5-92920891-C-A.
Other names: p.Thr54=.
Identifiers: ClinVar variation 381438 (VCV000381438.14), dbSNP rs557800691, ClinGen allele CA3343107.

ClinVar aggregate classification (germline): Benign. Review status: criteria provided, multiple submitters, no conflicts (2 of 4 stars). 4 submissions from 4 submitters: Benign (4). Last evaluated 2026-02-03.

Allele frequency attached by ClinVar (database versions not stated): gnomAD exomes 0.00109 and 0.00206; ExAC 0.00413; gnomAD 0.01126 and 0.01197; 1000 Genomes Project 0.01158; TOPMed 0.01206; 1000 Genomes Project 30x 0.01234.
gnomAD v4.1: 3,220 of 1,515,938 alleles (0.21%); highest among the groups gnomAD compares: African/African-American, 3.9%; 58 homozygotes.

Submissions (4):

Labcorp Genetics (formerly Invitae), Labcorp
Classification: Benign. Last evaluated: 2026-02-03. Review status: criteria provided, single submitter. Criteria: Invitae Variant Classification Sherloc (09022015). Collection method: clinical testing. Allele origin: germline.

Mayo Clinic Laboratories, Mayo Clinic
Classification: Benign. Last evaluated: 2025-01-29. Review status: criteria provided, single submitter. Criteria: ACMG Guidelines, 2015. Collection method: clinical testing. Allele origin: germline. Observed: 7 variant alleles.
Comment: BA1

Athena Diagnostics
Classification: Benign. Last evaluated: 2017-09-07. Review status: criteria provided, single submitter. Criteria: Athena Diagnostics Criteria. Collection method: clinical testing. Allele origin: germline.

GeneDx
Classification: Benign. Last evaluated: 2016-02-03. Review status: criteria provided, single submitter. Criteria: GeneDx Variant Classification (06012015). Collection method: clinical testing. Allele origin: germline. Affected: yes.
Comment: This variant is considered likely benign or benign based on one or more of the following criteria: it is a conservative change, it occurs at a poorly conserved position in the protein, it is predicted to be benign by multiple in silico algorithms, and/or has population frequency not consistent with disease.